The following is an entry in ClinVar:

ClinVar aggregate classification (germline): Pathogenic. Review status: criteria provided, single submitter (1 of 4 stars). 2 submissions from 2 submitters: Pathogenic (1). 1 of the submissions does not count toward it. Last evaluated 2022-04-14.

Conditions:
Neurodevelopmental disorder with seizures, microcephaly, and brain abnormalities (NEDSMBA). Identifiers: MedGen C5774209, MONDO:0859283, OMIM 620024.
Microcephaly. Also called: Microcephaly (disease). Identifiers: MedGen C4551563, MONDO:0001149, HP:0000252.
Severe intellectual disability. Identifiers: MedGen C0036857, HP:0010864.
Cerebral calcification. Also called: Cerebral calcifications. Identifiers: MedGen C0270685, HP:0002514.
Seizure. Also called: Seizures. Identifiers: MedGen C0036572, HP:0001250.

Allele frequency attached by ClinVar (database versions not stated): TOPMed 0.00002; gnomAD 0.00001; ExAC 0.00002; ESP Exome Variant Server 0.00008; gnomAD exomes 0.00002.
gnomAD v4.1: 9 of 1,613,986 alleles (0.00056%); highest among the groups gnomAD compares: Admixed American, 0.0033%; no homozygotes.

Submissions (2):

Institute of Human Genetics, University of Leipzig Medical Center
Classification: Pathogenic for Severe intellectual disability; Seizure; Microcephaly; Cerebral calcification. Last evaluated: 2022-04-14. Review status: criteria provided, single submitter. Criteria: ACMG Guidelines, 2015. Collection method: research. Allele origin: germline. Affected: yes.
Comment: The variant was identified as homozygous. Criteria applied: PVS1, PM2_Supporting, PM3_Supporting

OMIM
Classification: Pathogenic for NEURODEVELOPMENTAL DISORDER WITH SEIZURES, MICROCEPHALY, AND BRAIN ABNORMALITIES. Last evaluated: 2022-08-31. Review status: no assertion criteria provided. Collection method: literature only. Allele origin: germline. Not counted in ClinVar's aggregate classification.

Literature cited by the submitters: DOI doi.org/10.1101/2022.04.04.22273309 (cited by Institute of Human Genetics, University of Leipzig Medical Center); PubMed 35830857 (cited by OMIM).

NM_003622.4(PPFIBP1):c.2413C>T (p.Arg805Ter)

Gene: PPFIBP1 (PPFIB scaffold protein 1; plus strand). Cytogenetic location: 12p11.22.
Variant type: single nucleotide variant.
Coding change: c.2413C>T on transcript NM_003622.4 (MANE Select); coding-DNA position 2413, C replaced by T.
Protein change: p.Arg805Ter; replaces arginine 805 with a stop codon.
Molecular consequence: nonsense.
Genome position (GRCh38, 1-based): chr12:27,688,340, C>T. VCF-style: chr12-27688340-C-T. GRCh37 (hg19) VCF-style: chr12-27841273-C-T.
Other names: c.1972C>T, p.Arg658Ter (NM_001198915.2); c.2338C>T, p.Arg780Ter (NM_001198916.2); c.2431C>T, p.Arg811Ter (NM_177444.3); short protein forms R658*, R780*, R805*, R811*.
Identifiers: ClinVar variation 1679178 (VCV001679178.2), dbSNP rs146185523, ClinGen allele CA6493773.
Genomic context (GRCh38, chr12:27,688,340, plus strand): 5'-GGTTGTGTGTTCCCATAGAATACCATCGCCCCATCAGAAGTTCAGAAGTGGACTAACCAT[C>T]GAGTGATGGAGTGGCTGCGCTCCGTGGACTTGGCAGAATATGCGCCCAATCTCAGAGGCA-3'